The following is an entry in ClinVar:

ClinVar aggregate classification (germline): Likely benign (1 of 4 stars; one submission).

Submission:

GeneDx
Classification: Likely benign. Last evaluated: 2018-01-04. Review status: criteria provided, single submitter. Criteria: GeneDx Variant Classification (06012015). Collection method: clinical testing. Allele origin: germline. Affected: yes.
Comment: This variant is considered likely benign or benign based on one or more of the following criteria: it is a conservative change, it occurs at a poorly conserved position in the protein, it is predicted to be benign by multiple in silico algorithms, and/or has population frequency not consistent with disease.

NM_001267550.2(TTN):c.240G>A (p.Leu80=)

Gene: TTN (titin; minus strand). Cytogenetic location: 2q31.2.
Variant type: single nucleotide variant.
Coding change: c.240G>A on transcript NM_001267550.2 (MANE Select); coding-DNA position 240, G replaced by A.
Protein change: p.Leu80=; no amino-acid change (leucine 80 retained).
Molecular consequence: synonymous variant.
Genome position (GRCh38, 1-based): chr2:178,802,193, C>T on the plus strand (G>A on the coding strand, the complement: TTN is on the minus strand). VCF-style: chr2-178802193-C-T. GRCh37 (hg19) VCF-style: chr2-179666920-C-T.
Other names: c.240G>A, p.Leu80= (NM_001256850.1, NM_003319.4, NM_133378.4 and 3 more transcripts).
Identifiers: ClinVar variation 514680 (VCV000514680.1), dbSNP rs1554045220, ClinGen allele CA430119090.